The following is an entry in ClinVar:

ClinVar aggregate classification (germline): Conflicting classifications of pathogenicity. Review status: criteria provided, conflicting classifications (1 of 4 stars). 3 submissions from 3 submitters: Uncertain significance (1); Likely benign (2). Last evaluated 2025-07-15.

Conditions:
RYR1-related disorder. Also called: RYR1-related disorders; RYR1-related condition. Identifiers: MedGen CN239331.
Malignant hyperthermia, susceptibility to, 1 (MHS1). Also called: RYR1-Related Malignant Hyperthermia Susceptibility; Malignant hyperthermia suceptibility 1; Anesthesia related hyperthermia; Malignant hyperpyrexia; Fulminating hyperpyrexia; Pharmacogenic myopathy. Identifiers: Orphanet 423, MedGen C2930980, MONDO:0007783, OMIM 145600.

gnomAD v4.1: 5 of 1,603,168 alleles (0.00031%); highest among the groups gnomAD compares: East Asian, 0.0045%; no homozygotes.

Submissions (3):

Color Diagnostics, LLC DBA Color Health
Classification: Likely benign for Malignant hyperthermia, susceptibility to, 1. Last evaluated: 2025-07-15. Review status: criteria provided, single submitter. Criteria: ACMG Guidelines, 2015. Collection method: clinical testing. Allele origin: germline.

All of Us Research Program, National Institutes of Health
Classification: Uncertain significance for Malignant hyperthermia, susceptibility to, 1. Last evaluated: 2023-11-30. Review status: criteria provided, single submitter. Criteria: ACMG Guidelines, 2015. Collection method: clinical testing. Allele origin: germline. Inheritance: Autosomal dominant inheritance. Observed: 3 variant alleles, 3 heterozygotes.
Comment: This variant causes a C to G nucleotide substitution at the -6 position of intron 91 of the RYR1 gene. To our knowledge, functional studies have not been reported for this variant. This variant has not been reported in individuals affected with RYR1-related disorders in the literature. This variant has been identified in 1/231114 chromosomes in the general population by the Genome Aggregation Database (gnomAD). The available evidence is insufficient to determine the role of this variant in disease conclusively. Therefore, this variant is classified as a Variant of Uncertain Significance.

This study involves interpretation of variants in research participants for the purpose of population health screening. Participant phenotype was not available at the time of variant classification. Additional details can be found in publication PMID: 35346344, PMCID: PMC8962531

Labcorp Genetics (formerly Invitae), Labcorp
Classification: Likely benign for RYR1-related disorder. Last evaluated: 2023-04-06. Review status: criteria provided, single submitter. Criteria: Invitae Variant Classification Sherloc (09022015). Collection method: clinical testing. Allele origin: germline.

NM_000540.3(RYR1):c.13438-6C>G

Gene: RYR1 (ryanodine receptor 1; plus strand). Cytogenetic location: 19q13.2.
Variant type: single nucleotide variant.
Coding change: c.13438-6C>G on transcript NM_000540.3 (MANE Select); 6 bases into the intron before coding-DNA position 13438, C replaced by G.
Molecular consequence: intron variant.
Genome position (GRCh38, 1-based): chr19:38,566,905, C>G. VCF-style: chr19-38566905-C-G. GRCh37 (hg19) VCF-style: chr19-39057545-C-G.
Other names: c.13423-6C>G (NM_001042723.2).
Identifiers: ClinVar variation 2196463 (VCV002196463.5), dbSNP rs756003242, ClinGen allele CA632873821.